The following is an entry in ClinVar:

NM_000157.4(GBA1):c.1389-13T>A

Genes: GBA1 (glucosylceramidase beta 1; minus strand), LOC106627981 (GBA recombination region; plus strand). Cytogenetic location: 1q22.
Variant type: single nucleotide variant.
Coding change: c.1389-13T>A on transcript NM_000157.4 (MANE Select); 13 bases into the intron before coding-DNA position 1389, T replaced by A.
Molecular consequence: intron variant.
Genome position (GRCh38, 1-based): chr1:155,235,324, A>T on the plus strand (T>A on the coding strand, the complement: GBA1 is on the minus strand). VCF-style: chr1-155235324-A-T. GRCh37 (hg19) VCF-style: chr1-155205115-A-T.
Other names: c.1128-13T>A (NM_001171811.2); c.1389-13T>A (NM_001005742.3, NM_001005741.3); c.1242-13T>A (NM_001171812.2).
Identifiers: ClinVar variation 452006 (VCV000452006.3), dbSNP rs1553216892, ClinGen allele CA658656960.

ClinVar aggregate classification (germline): Uncertain significance (1 of 4 stars; one submission).

Allele frequency attached by ClinVar (database versions not stated): TOPMed below 0.00001; gnomAD exomes 0.00001.
gnomAD v4.1: 4 of 1,608,782 alleles (0.00025%); highest among the groups gnomAD compares: Non-Finnish European, 0.00034%; no homozygotes.

Submission:

GeneDx
Classification: Uncertain significance. Last evaluated: 2017-09-19. Review status: criteria provided, single submitter. Criteria: GeneDx Variant Classification (06012015). Collection method: clinical testing. Allele origin: germline. Affected: yes.
Comment: The c.1389-13T>A variant in the GBA gene has not been reported previously as a pathogenic variant nor as a benign variant, to our knowledge. This variant reduces the quality of the splice acceptor site in intron 8, and may cause abnormal gene splicing. However, in the absence of RNA/functional studies, the actual effect of c.1389-13T>A in this individual is unknown. The c.1389-13T>A variant is not observed in large population cohorts (Lek et al., 2016; 1000 Genomes Consortium et al., 2015; Exome Variant Server). We interpret c.1389-13T>A as a variant of uncertain significance.